The following is an entry in ClinVar:

ClinVar aggregate classification (germline): Uncertain significance (1 of 4 stars; one submission).

Allele frequency attached by ClinVar (database versions not stated): gnomAD exomes below 0.00001.
gnomAD v4.1: 2 of 1,601,868 alleles (0.00012%); highest among the groups gnomAD compares: Non-Finnish European, 0.00017%; no homozygotes.

Submission:

Ambry Genetics
Classification: Uncertain significance. Last evaluated: 2024-02-13. Review status: criteria provided, single submitter. Criteria: Ambry Variant Classification Scheme 2023. Collection method: clinical testing. Allele origin: germline.
Comment: The p.M326V variant (also known as c.976A>G), located in coding exon 4 of the MNDA gene, results from an A to G substitution at nucleotide position 976. The methionine at codon 326 is replaced by valine, an amino acid with highly similar properties. This amino acid position is conserved. In addition, this alteration is predicted to be tolerated by in silico analysis. Since supporting evidence is limited at this time, the clinical significance of this alteration remains unclear.

NM_002432.3(MNDA):c.976A>G (p.Met326Val)

Gene: MNDA (myeloid cell nuclear differentiation antigen; plus strand). Cytogenetic location: 1q23.1.
Variant type: single nucleotide variant.
Coding change: c.976A>G on transcript NM_002432.3 (MANE Select); coding-DNA position 976, A replaced by G.
Protein change: p.Met326Val; replaces methionine 326 with valine.
Molecular consequence: missense variant.
Genome position (GRCh38, 1-based): chr1:158,845,992, A>G. VCF-style: chr1-158845992-A-G. GRCh37 (hg19) VCF-style: chr1-158815782-A-G.
Other names: short protein forms M326V.
Identifiers: ClinVar variation 1768126 (VCV001768126.2), dbSNP rs2526088424, ClinGen allele CA343042590.